The following is an entry in ClinVar:

NM_007294.4(BRCA1):c.1510C>T (p.Arg504Cys)

Gene: BRCA1 (BRCA1 DNA repair associated; minus strand). Cytogenetic location: 17q21.31.
Variant type: single nucleotide variant.
Coding change: c.1510C>T on transcript NM_007294.4 (MANE Select); coding-DNA position 1510, C replaced by T.
Protein change: p.Arg504Cys; replaces arginine 504 with cysteine.
Molecular consequence: missense variant. On other transcripts: intron variant (137).
Genome position (GRCh38, 1-based): chr17:43,094,021, G>A on the plus strand (C>T on the coding strand, the complement: BRCA1 is on the minus strand). VCF-style: chr17-43094021-G-A. GRCh37 (hg19) VCF-style: chr17-41246038-G-A.
Other names: c.1507C>T, p.Arg503Cys (NM_001407587.1, NM_001407590.1, NM_001407591.1 and 22 more transcripts); c.1510C>T, p.Arg504Cys (NM_001407593.1, NM_001407594.1, NM_001407596.1 and 30 more transcripts); c.1501C>T, p.Arg501Cys (NM_001407646.1, NM_001407647.1); c.1387C>T, p.Arg463Cys (NM_001407648.1, NM_001407664.1, NM_001407665.1 and 19 more transcripts); c.1384C>T, p.Arg462Cys (NM_001407649.1, NM_001407670.1, NM_001407671.1 and 11 more transcripts); c.1432C>T, p.Arg478Cys (NM_001407653.1, NM_001407654.1, NM_001407655.1 and 4 more transcripts); c.1429C>T, p.Arg477Cys (NM_001407659.1, NM_001407660.1, NM_001407661.1 and 1 more transcripts); c.1369C>T, p.Arg457Cys (NM_001407692.1, NM_001407694.1, NM_001407695.1 and 29 more transcripts); and 40 more; short protein forms R504C, R457C, R208C, R436C, R463C, R503C, R392C, R416C.
Identifiers: ClinVar variation 54277 (VCV000054277.36), dbSNP rs80357445, ClinGen allele CA001015.

ClinVar aggregate classification (germline): Conflicting classifications of pathogenicity. Review status: criteria provided, conflicting classifications (1 of 4 stars). 15 submissions from 15 submitters: Uncertain significance (9); Likely benign (2). 4 of the submissions do not count toward it. Last evaluated 2026-01-07.

Conditions:
BRCA1-related disorder. Also called: BRCA1-related condition.
BRCA1-related cancer predisposition. Identifiers: MedGen CN377757, MONDO:0700268.
Hereditary cancer-predisposing syndrome. Also called: Tumor predisposition; Neoplastic Syndromes, Hereditary; Hereditary Cancer Syndrome; Hereditary neoplastic syndrome. Identifiers: Orphanet 140162, MedGen C0027672, MeSH D009386, MONDO:0015356.
Hereditary breast ovarian cancer syndrome. Also called: Hereditary breast and ovarian cancer syndrome (HBOC); Hereditary breast and ovarian cancer syndrome; Hereditary breast and ovarian cancer; Hereditary breast and/or ovarian cancer syndrome; Breast and ovarian cancer; BRCA1- and BRCA2-Associated Hereditary Breast and Ovarian Cancer. Identifiers: Orphanet 145, MedGen C0677776, MeSH D061325, MONDO:0003582. Disease mechanism: loss of function.
Breast-ovarian cancer, familial, susceptibility to, 1 (BROVCA1). Also called: OVARIAN CANCER, SUSCEPTIBILITY TO; BRCA1 Hereditary Breast and Ovarian Cancer. Identifiers: Orphanet 145, MedGen C2676676, MONDO:0011450, OMIM 604370. Disease mechanism: loss of function.
Familial cancer of breast. Also called: Hereditary breast cancer; hereditary breast carcinoma; BREAST CANCER, FAMILIAL. Identifiers: Orphanet 227535, MedGen C0346153, MONDO:0016419, OMIM 114480. Disease mechanism: loss of function.
Malignant tumor of breast. Also called: Malignant breast neoplasm; Cancer breast. Identifiers: MedGen C0006142, MONDO:0007254. Disease mechanism: loss of function.

Allele frequency attached by ClinVar (database versions not stated): ESP Exome Variant Server 0.00008; 1000 Genomes Project 30x 0.00016; 1000 Genomes Project 0.00020; ExAC 0.00001; gnomAD 0.00001 and 0.00002; gnomAD exomes 0.00001; TOPMed 0.00003.

Submissions 1 to 6 of 15:

Labcorp Genetics (formerly Invitae), Labcorp
Classification: Uncertain significance for Hereditary breast ovarian cancer syndrome. Last evaluated: 2026-01-07. Review status: criteria provided, single submitter. Criteria: Invitae Variant Classification Sherloc (09022015). Collection method: clinical testing. Allele origin: germline.
Comment: This sequence change replaces arginine, which is basic and polar, with cysteine, which is neutral and slightly polar, at codon 504 of the BRCA1 protein (p.Arg504Cys). This variant is present in population databases (rs80357445, gnomAD 0.004%). This missense change has been observed in individual(s) with breast and/or ovarian cancer (PMID: 26219265, 28525389). ClinVar contains an entry for this variant (Variation ID: 54277). Invitae Evidence Modeling of protein sequence and biophysical properties (such as structural, functional, and spatial information, amino acid conservation, physicochemical variation, residue mobility, and thermodynamic stability) indicates that this missense variant is not expected to disrupt BRCA1 protein function with a negative predictive value of 80%. Experimental studies have shown that this missense change does not substantially affect BRCA1 function (PMID: 36833189). In summary, the available evidence is currently insufficient to determine the role of this variant in disease. Therefore, it has been classified as a Variant of Uncertain Significance.

PreventionGenetics, part of Exact Sciences
Classification: Uncertain significance for BRCA1-related condition. Last evaluated: 2025-10-27. Review status: criteria provided, single submitter. Criteria: ACMG Guidelines, 2015. Collection method: clinical testing. Allele origin: germline.
Comment: The BRCA1 c.1510C>T variant is predicted to result in the amino acid substitution p.Arg504Cys. This variant has been reported in individuals with breast and/or ovarian cancer (Ronowicz et al. 2015. PubMed ID: 26219265; Apessos et al. 2018. PubMed ID: 29310832; Supplementary Table 1, Hovland et al. 2022. PubMed ID: 34981296). Of note, this variant has also been reported with variants in ANKRD30A and BRCA2, in an individual with breast cancer (Patient 608H, Ronowicz et al. 2015. PubMed ID: 26219265). Functional studies have shown that this variant does not have an impact on protein function (Hovland et al. 2023. PubMed ID: 36833189). This variant is reported in 0.0040% of alleles in individuals of African descent in gnomAD and has conflicting interpretations in ClinVar, ranging from uncertain to likely benign (Variation ID: 54277). Although we suspect that this variant may be benign, at this time, the clinical significance of this variant is uncertain due to the absence of conclusive functional and genetic evidence.

Ambry Genetics
Classification: Uncertain significance for Hereditary cancer-predisposing syndrome. Last evaluated: 2025-04-25. Review status: criteria provided, single submitter. Criteria: Ambry Variant Classification Scheme 2023. Collection method: clinical testing. Allele origin: germline.
Comment: The p.R504C variant (also known as c.1510C>T), located in coding exon 9 of the BRCA1 gene, results from a C to T substitution at nucleotide position 1510. The arginine at codon 504 is replaced by cysteine, an amino acid with highly dissimilar properties. This alteration was reported in an individual diagnosed with breast cancer (Apessos A et al. Cancer Genet 2018 Jan;220:1-12). Additionally, several papers have predicted that this alteration will affect protein function based primarily on sequence conservation through evolution (Burk-Herrick A et al. Mamm Genome. 2006 Mar; 17(3):257-70; Ramirez CJ et al. Oncogene. 2004 Mar; 23(9):1780-8; Fleming MA et al. Proc Natl Acad Sci U S A. 2003 Feb; 100(3):1151-6). However, one functional study reported that this alteration had no significant deviations in protein expression, proteasomal degradation, stability, or subcellular localization (Hovland HN et al. Genes (Basel). 2023 Jan;14(2)). This amino acid position is well conserved in available vertebrate species. In addition, the in silico prediction for this alteration is inconclusive. Based on the available evidence, the clinical significance of this variant remains unclear.

Quest Diagnostics Nichols Institute San Juan Capistrano
Classification: Uncertain significance. Last evaluated: 2024-11-01. Review status: criteria provided, single submitter. Criteria: Quest Diagnostics criteria. Collection method: clinical testing. Allele origin: unknown.
Comment: The BRCA1 c.1510C>T (p.Arg504Cys) variant has been reported in the published literature in individuals affected with breast and/or ovarian cancer (PMIDs: 26219265 (2015), 28525389 (2017), 29310832 (2018)). In one individual with breast cancer, this variant was reported to co-occur with a pathogenic variant in the BRCA2 gene, which suggests this variant is not the primary cause of disease (PMID: 26219265 (2015)). Assessment of experimental evidence regarding the effect of this variant on protein function suggests it has no effect relevant to disease (PMID: 36833189 (2023)). The frequency of this variant in the general population, 0.000059 (3/50674 chromosomes (Genome Aggregation Database)), is uninformative in the assessment of its pathogenicity. Analysis of this variant using bioinformatics tools for the prediction of the effect of amino acid changes on protein structure and function yielded conflicting predictions that this variant is benign or damaging. Based on the available information, we are unable to determine the clinical significance of this variant.

All of Us Research Program, National Institutes of Health
Classification: Uncertain significance for BRCA1-related cancer predisposition. Last evaluated: 2024-05-31. Review status: criteria provided, single submitter. Criteria: ACMG Guidelines, 2015. Collection method: clinical testing. Allele origin: germline. Inheritance: Autosomal dominant inheritance. Observed: 7 variant alleles, 7 heterozygotes.
Comment: This missense variant replaces arginine with cysteine at codon 504 of the BRCA1 protein. Computational prediction is inconclusive regarding the impact of this variant on protein structure and function (internally defined REVEL score threshold 0.5 < inconclusive < 0.7, PMID: 27666373). To our knowledge, functional studies have not been reported for this variant. This variant has been reported in an individual affected with breast cancer and in a suspected hereditary breast and ovarian cancer family (PMID: 28525389, 29310832), and this variant also has been detected in a breast cancer case-control meta-analysis in 1/60466 cases and 1/53461 unaffected individuals (PMID: 33471991; Leiden Open Variation Database DB-ID BRCA1_000154). This variant has been identified in 4/282442 chromosomes in the general population by the Genome Aggregation Database (gnomAD). The available evidence is insufficient to determine the role of this variant in disease conclusively. Therefore, this variant is classified as a Variant of Uncertain Significance.

This study involves interpretation of variants in research participants for the purpose of population health screening. Participant phenotype was not available at the time of variant classification. Additional details can be found in publication PMID: 35346344, PMCID: PMC8962531

Molecular Pathology, Peter Maccallum Cancer Centre
Classification: Likely benign for Breast-ovarian cancer, familial, susceptibility to, 1. Last evaluated: 2024-04-17. Review status: criteria provided, single submitter. Criteria: ACMG Guidelines, 2015. Collection method: clinical testing. Allele origin: germline. Inheritance: Autosomal dominant inheritance.